The following is an entry in ClinVar:

NM_004260.4(RECQL4):c.780G>C (p.Glu260Asp)

Gene: RECQL4 (RecQ like helicase 4; minus strand). Cytogenetic location: 8q24.3.
Variant type: single nucleotide variant.
Coding change: c.780G>C on transcript NM_004260.4 (MANE Select); coding-DNA position 780, G replaced by C.
Protein change: p.Glu260Asp; replaces glutamic acid 260 with aspartic acid.
Molecular consequence: missense variant.
Genome position (GRCh38, 1-based): chr8:144,516,339, C>G on the plus strand (G>C on the coding strand, the complement: RECQL4 is on the minus strand). VCF-style: chr8-144516339-C-G. GRCh37 (hg19) VCF-style: chr8-145741723-C-G.
Other names: short protein forms E260D.
Identifiers: ClinVar variation 851443 (VCV000851443.6), dbSNP rs780272651, ClinGen allele CA4949183.
Genomic context (GRCh38, chr8:144,516,339, plus strand): 5'-GCTGCTCTCCTGCTGGACCTGTGCGGGGCTCTCCCAGGGCTCCTCGTTCCATCTCCGCTT[C>G]TCGCCTCCACTGCTGCTGGGCTGGGGGCTCCCCACACGGATGCTGACTTCTTGGAAGGCT-3'
Protein context (NP_004251.4, residues 250-270): GSPQPSSSGG[Glu260Asp]KRRWNEEPWE

ClinVar aggregate classification (germline): Uncertain significance. Review status: criteria provided, multiple submitters, no conflicts (2 of 4 stars). 2 submissions from 2 submitters: Uncertain significance (2). Last evaluated 2025-03-31.

Conditions:
Inborn genetic diseases. Identifiers: MedGen C0950123, MeSH D030342.
Baller-Gerold syndrome (BGS). Also called: CRANIOSYNOSTOSIS WITH RADIAL DEFECTS. Identifiers: Orphanet 1225, MedGen C0265308, MONDO:0009039, OMIM 218600.

Allele frequency attached by ClinVar (database versions not stated): TOPMed below 0.00001.
gnomAD v4.1: 19 of 1,609,778 alleles (0.0012%); highest among the groups gnomAD compares: African/African-American, 0.0027%; no homozygotes.

Submissions (2):

Ambry Genetics
Classification: Uncertain significance for Inborn genetic diseases. Last evaluated: 2025-03-31. Review status: criteria provided, single submitter. Criteria: Ambry Variant Classification Scheme 2023. Collection method: clinical testing. Allele origin: germline.
Comment: The p.E260D variant (also known as c.780G>C), located in coding exon 5 of the RECQL4 gene, results from a G to C substitution at nucleotide position 780. The glutamic acid at codon 260 is replaced by aspartic acid, an amino acid with highly similar properties. This amino acid position is conserved. In addition, this alteration is predicted to be tolerated by in silico analysis. Based on the available evidence, the clinical significance of this variant remains unclear.

Labcorp Genetics (formerly Invitae), Labcorp
Classification: Uncertain significance for Baller-Gerold syndrome. Last evaluated: 2025-01-06. Review status: criteria provided, single submitter. Criteria: Invitae Variant Classification Sherloc (09022015). Collection method: clinical testing. Allele origin: germline.
Comment: This sequence change replaces glutamic acid, which is acidic and polar, with aspartic acid, which is acidic and polar, at codon 260 of the RECQL4 protein (p.Glu260Asp). The frequency data for this variant in the population databases is considered unreliable, as metrics indicate poor data quality at this position in the gnomAD database. This variant has not been reported in the literature in individuals affected with RECQL4-related conditions. ClinVar contains an entry for this variant (Variation ID: 851443). Invitae Evidence Modeling of protein sequence and biophysical properties (such as structural, functional, and spatial information, amino acid conservation, physicochemical variation, residue mobility, and thermodynamic stability) indicates that this missense variant is not expected to disrupt RECQL4 protein function with a negative predictive value of 80%. In summary, the available evidence is currently insufficient to determine the role of this variant in disease. Therefore, it has been classified as a Variant of Uncertain Significance.